The following is an entry in ClinVar:

NM_006031.6(PCNT):c.9163C>A (p.Leu3055Ile)

Gene: PCNT (pericentrin; plus strand). Cytogenetic location: 21q22.3.
Variant type: single nucleotide variant.
Coding change: c.9163C>A on transcript NM_006031.6 (MANE Select); coding-DNA position 9163, C replaced by A.
Protein change: p.Leu3055Ile; replaces leucine 3055 with isoleucine.
Molecular consequence: missense variant.
Genome position (GRCh38, 1-based): chr21:46,438,227, C>A. VCF-style: chr21-46438227-C-A. GRCh37 (hg19) VCF-style: chr21-47858140-C-A.
Other names: c.8572C>A, p.Leu2858Ile (NM_001315529.2); short protein forms L3055I, L2858I.
Identifiers: ClinVar variation 392707 (VCV000392707.14), dbSNP rs754586558, ClinGen allele CA10081227.

ClinVar aggregate classification (germline): Uncertain significance. Review status: criteria provided, multiple submitters, no conflicts (2 of 4 stars). 5 submissions from 5 submitters: Uncertain significance (5). Last evaluated 2026-05-27.

Conditions:
PCNT-related disorder. Also called: PCNT-related condition.
Microcephalic osteodysplastic primordial dwarfism type II (MOPD2). Also called: Microcephalic osteodysplastic primordial dwarfism with tooth abnormalities; MOPD II; OSTEODYSPLASTIC PRIMORDIAL DWARFISM, TYPE II. Identifiers: Orphanet 2637, MedGen C0432246, MONDO:0008872, OMIM 210720.

Allele frequency attached by ClinVar (database versions not stated): ExAC 0.00004; gnomAD 0.00007; gnomAD exomes 0.00007 and 0.00011; TOPMed 0.00008.
gnomAD v4.1: 53 of 1,614,036 alleles (0.0033%); highest among the groups gnomAD compares: Admixed American, 0.087%; no homozygotes.

Submissions (5):

PreventionGenetics, part of Exact Sciences
Classification: Uncertain significance for PCNT-related condition. Last evaluated: 2026-05-27. Review status: criteria provided, single submitter. Criteria: ACMG Guidelines, 2015. Collection method: clinical testing. Allele origin: germline.
Comment: The PCNT c.9163C>A variant is predicted to result in the amino acid substitution p.Leu3055Ile. To our knowledge, this variant has not been reported in the literature. This variant is reported in 0.078% of alleles in individuals of Latino descent in gnomAD, which may be too common to be an undocumented disease-causing variant. Although we suspect that this variant may be benign, at this time, the clinical significance of this variant is uncertain due to the absence of conclusive functional and genetic evidence.

Fulgent Genetics
Classification: Uncertain significance for Microcephalic osteodysplastic primordial dwarfism type II. Last evaluated: 2024-05-10. Review status: criteria provided, single submitter. Criteria: ACMG Guidelines, 2015. Collection method: clinical testing. Allele origin: germline.

Labcorp Genetics (formerly Invitae), Labcorp
Classification: Uncertain significance. Last evaluated: 2022-11-01. Review status: criteria provided, single submitter. Criteria: Invitae Variant Classification Sherloc (09022015). Collection method: clinical testing. Allele origin: germline.
Comment: This sequence change replaces leucine, which is neutral and non-polar, with isoleucine, which is neutral and non-polar, at codon 3055 of the PCNT protein (p.Leu3055Ile). This variant is present in population databases (rs754586558, gnomAD 0.08%). This variant has not been reported in the literature in individuals affected with PCNT-related conditions. ClinVar contains an entry for this variant (Variation ID: 392707). Algorithms developed to predict the effect of missense changes on protein structure and function are either unavailable or do not agree on the potential impact of this missense change (SIFT: "Tolerated"; PolyPhen-2: "Possibly Damaging"; Align-GVGD: "Class C0"). In summary, the available evidence is currently insufficient to determine the role of this variant in disease. Therefore, it has been classified as a Variant of Uncertain Significance.

GeneDx
Classification: Uncertain significance. Last evaluated: 2017-01-11. Review status: criteria provided, single submitter. Criteria: GeneDx Variant Classification (06012015). Collection method: clinical testing. Allele origin: germline. Affected: yes.
Comment: A variant of uncertain significance has been identified in the PCNT gene. The L3055I variant has not been published as a pathogenic variant, nor has it been reported as a benign variant to our knowledge. The L3055I variant is not observed at a significant frequency in large population cohorts (Lek et al., 2016; 1000 Genomes Consortium et al., 2015; Exome Variant Server). This substitution occurs at a position that is conserved across species. However, the L3055I variant is a conservative amino acid substitution, which is not likely to impact secondary protein structure as these residues share similar properties. In silico analysis is inconsistent in its predictions as to whether or not the variant is damaging to the protein structure/function. Therefore, based on the currently available information, it is unclear whether this variant is a pathogenic variant or a rare benign variant.

Genetic Services Laboratory, University of Chicago
Classification: Uncertain significance. Last evaluated: 2015-12-11. Review status: criteria provided, single submitter. Criteria: ACMG Guidelines, 2015. Collection method: clinical testing. Allele origin: germline. Affected: no.